The following is an entry in ClinVar:

ClinVar aggregate classification (germline): Uncertain significance (1 of 4 stars; one submission).

Conditions:
ALG9 congenital disorder of glycosylation (CDG1L). Also called: CDG Il; CONGENITAL DISORDER OF GLYCOSYLATION, TYPE Il; ALG9-CDG. Identifiers: Orphanet 79328, MedGen C2931006, MONDO:0012117, OMIM 608776.

gnomAD v4.1: 38 of 1,613,980 alleles (0.0024%); highest among the groups gnomAD compares: Non-Finnish European, 0.00034%; no homozygotes.

Submission:

Labcorp Genetics (formerly Invitae), Labcorp
Classification: Uncertain significance for ALG9 congenital disorder of glycosylation. Last evaluated: 2024-06-22. Review status: criteria provided, single submitter. Criteria: Invitae Variant Classification Sherloc (09022015). Collection method: clinical testing. Allele origin: germline.
Comment: This sequence change replaces phenylalanine, which is neutral and non-polar, with cysteine, which is neutral and slightly polar, at codon 184 of the ALG9 protein (p.Phe184Cys). This variant is present in population databases (rs374977051, gnomAD 0.2%). This variant has not been reported in the literature in individuals affected with ALG9-related conditions. Experimental studies and prediction algorithms are not available or were not evaluated, and the functional significance of this variant is currently unknown. In summary, the available evidence is currently insufficient to determine the role of this variant in disease. Therefore, it has been classified as a Variant of Uncertain Significance.

NM_024740.2(ALG9):c.551T>G (p.Phe184Cys)

Gene: ALG9 (ALG9 alpha-1,2-mannosyltransferase; minus strand). Cytogenetic location: 11q23.1.
Variant type: single nucleotide variant.
Coding change: c.551T>G on transcript NM_024740.2 (MANE Select); coding-DNA position 551, T replaced by G.
Protein change: p.Phe184Cys; replaces phenylalanine 184 with cysteine.
Molecular consequence: missense variant. On other transcripts: 5 prime UTR variant (1), non-coding transcript variant (1).
Genome position (GRCh38, 1-based): chr11:111,860,561, A>C on the plus strand (T>G on the coding strand, the complement: ALG9 is on the minus strand). VCF-style: chr11-111860561-A-C. GRCh37 (hg19) VCF-style: chr11-111731284-A-C.
Other names: c.551T>G, p.Phe184Cys (NM_001077690.1, NM_001352417.1, NM_001352418.1); c.38T>G, p.Phe13Cys (NM_001077691.2, NM_001077692.2, NM_001352409.1 and 11 more transcripts); c.-181T>G (NM_001352422.2); short protein forms F13C, F184C.
Identifiers: ClinVar variation 3702923 (VCV003702923.2).